The following is an entry in ClinVar:

ClinVar aggregate classification (germline): Likely pathogenic (1 of 4 stars; one submission).

Submission:

Labcorp Genetics (formerly Invitae), Labcorp
Classification: Likely pathogenic. Last evaluated: 2022-07-19. Review status: criteria provided, single submitter. Criteria: Invitae Variant Classification Sherloc (09022015). Collection method: clinical testing. Allele origin: germline.
Comment: Algorithms developed to predict the effect of sequence changes on RNA splicing suggest that this variant may disrupt the consensus splice site. In summary, the currently available evidence indicates that the variant is pathogenic, but additional data are needed to prove that conclusively. Therefore, this variant has been classified as Likely Pathogenic. This variant has not been reported in the literature in individuals affected with COL11A1-related conditions. This variant is not present in population databases (gnomAD no frequency). This sequence change affects a splice site in intron 42 of the COL11A1 gene. It is expected to disrupt RNA splicing. Variants that disrupt the donor or acceptor splice site typically lead to a loss of protein function (PMID: 16199547), and loss-of-function variants in COL11A1 are known to be pathogenic (PMID: 20513134, 21035103, 23922384, 25240749, 32427345, 32756486).

Literature cited by the submitters: PubMed 16199547; PubMed 20513134; PubMed 21035103; PubMed 23922384; PubMed 25240749; PubMed 32427345; PubMed 32756486.

NM_001854.4(COL11A1):c.3276+1_3276+2insGACA

Gene: COL11A1 (collagen type XI alpha 1 chain; minus strand). Cytogenetic location: 1p21.1.
Variant type: Insertion.
Coding change: c.3276+1_3276+2insGACA on transcript NM_001854.4 (MANE Select); the canonical splice donor site of the intron after coding-DNA position 3276, GACA inserted.
Molecular consequence: splice donor variant.
Genome position: GRCh38 VCF-style: chr1-102946847-A-ATGTC. GRCh37 (hg19) VCF-style: chr1-103412403-A-ATGTC.
Other names: c.3159+1_3159+2insGACA (NM_001190709.2); c.3312+1_3312+2insGACA (NM_080629.3); c.2928+1_2928+2insGACA (NM_080630.4).
Identifiers: ClinVar variation 2053580 (VCV002053580.4), dbSNP rs2524790740, ClinGen allele CA2580060703.